The following is an entry in ClinVar:

NM_002633.3(PGM1):c.1281-2A>G

Gene: PGM1 (phosphoglucomutase 1; plus strand). Cytogenetic location: 1p31.3.
Variant type: single nucleotide variant.
Coding change: c.1281-2A>G on transcript NM_002633.3 (MANE Select); the canonical splice acceptor site of the intron before coding-DNA position 1281, A replaced by G.
Molecular consequence: splice acceptor variant.
Genome position (GRCh38, 1-based): chr1:63,651,667, A>G. VCF-style: chr1-63651667-A-G. GRCh37 (hg19) VCF-style: chr1-64117338-A-G.
Other names: c.690-2A>G (NM_001172819.2); c.1335-2A>G (NM_001172818.1).
Identifiers: ClinVar variation 1066321 (VCV001066321.7), dbSNP rs1649810314, ClinGen allele CA340638493.

ClinVar aggregate classification (germline): Likely pathogenic (1 of 4 stars; one submission).

Conditions:
PGM1-congenital disorder of glycosylation. Also called: PHOSPHOGLUCOMUTASE 1 DEFICIENCY; PGM1 DEFICIENCY; Congenital disorder of glycosylation type 1t; CDG It; GLYCOGEN STORAGE DISEASE XIV; GSD XIV. Identifiers: Orphanet 319646, MedGen C2752015, MONDO:0013968, OMIM 614921.

Allele frequency attached by ClinVar (database versions not stated): TOPMed below 0.00001.

Submission:

Labcorp Genetics (formerly Invitae), Labcorp
Classification: Likely pathogenic for PGM1-congenital disorder of glycosylation. Last evaluated: 2020-08-19. Review status: criteria provided, single submitter. Criteria: Invitae Variant Classification Sherloc (09022015). Collection method: clinical testing. Allele origin: germline.
Comment: This sequence change affects an acceptor splice site in intron 8 of the PGM1 gene. It is expected to disrupt RNA splicing and likely results in an absent or disrupted protein product. This variant is not present in population databases (ExAC no frequency). This variant has not been reported in the literature in individuals with PGM1-related conditions. Algorithms developed to predict the effect of sequence changes on RNA splicing suggest that this variant may disrupt the consensus splice site, but this prediction has not been confirmed by published transcriptional studies. Donor and acceptor splice site variants typically lead to a loss of protein function (PMID: 16199547), and loss-of-function variants in PGM1 are known to be pathogenic (PMID: 22492991). In summary, the currently available evidence indicates that the variant is pathogenic, but additional data are needed to prove that conclusively. Therefore, this variant has been classified as Likely Pathogenic.

Literature cited by the submitters: PubMed 16199547; PubMed 22492991.